The following is an entry in ClinVar:

ClinVar aggregate classification (germline): Benign/Likely benign. Review status: criteria provided, multiple submitters, no conflicts (2 of 4 stars). 12 submissions from 11 submitters: Benign (6); Likely benign (5). 1 of the submissions does not count toward it. Last evaluated 2026-09-01.

Conditions:
Mitochondrial trifunctional protein deficiency. Identifiers: Orphanet 746, MedGen C1969443, MONDO:0012172.
Long chain 3-hydroxyacyl-CoA dehydrogenase deficiency. Also called: Deficiency of long-chain 3-hydroxyacyl-coenzyme A dehydrogenase; LCHAD Deficiency. Identifiers: Orphanet 5, MedGen C3711645, MONDO:0012173, OMIM 609016.

Allele frequency attached by ClinVar (database versions not stated): 1000 Genomes Project 30x 0.00234; 1000 Genomes Project 0.00240; gnomAD exomes 0.00419; ExAC 0.00426; TOPMed 0.00433; gnomAD 0.00446 and 0.00450; ESP Exome Variant Server 0.00507.
gnomAD v4.1: 10,501 of 1,587,454 alleles (0.66%); highest among the groups gnomAD compares: Non-Finnish European, 0.84%; 46 homozygotes.

Submissions (12):

CeGaT Center for Human Genetics Tuebingen
Classification: Likely benign. Last evaluated: 2026-09-01. Review status: criteria provided, single submitter. Criteria: CeGaT Center For Human Genetics Tuebingen Variant Classification Criteria Version 2. Collection method: clinical testing. Allele origin: germline. Affected: yes. Observed: 38 variant alleles.
Comment: HADHA: BP4, BP7, BS2

Labcorp Genetics (formerly Invitae), Labcorp
Classification: Benign for Mitochondrial trifunctional protein deficiency; Long chain 3-hydroxyacyl-CoA dehydrogenase deficiency. Last evaluated: 2026-02-02. Review status: criteria provided, single submitter. Criteria: Invitae Variant Classification Sherloc (09022015). Collection method: clinical testing. Allele origin: germline.

ARUP Laboratories, Molecular Genetics and Genomics, ARUP Laboratories
Classification: Benign. Last evaluated: 2024-11-05. Review status: criteria provided, single submitter. Criteria: ARUP Molecular Germline Variant Investigation Process 2024. Collection method: clinical testing. Allele origin: germline.

Mayo Clinic Laboratories, Mayo Clinic
Classification: Benign. Last evaluated: 2024-04-23. Review status: criteria provided, single submitter. Criteria: ACMG Guidelines, 2015. Collection method: clinical testing. Allele origin: germline. Observed: 29 variant alleles.
Comment: BA1, BS2, BP4, BP7

GeneDx
Classification: Benign. Last evaluated: 2020-06-16. Review status: criteria provided, single submitter. Criteria: GeneDx Variant Classification Process June 2021. Collection method: clinical testing. Allele origin: germline. Affected: yes.

Genetic Services Laboratory, University of Chicago
Classification: Likely benign. Last evaluated: 2020-03-18. Review status: criteria provided, single submitter. Criteria: ACMG Guidelines, 2015. Collection method: clinical testing. Allele origin: germline. Affected: no.

Eurofins Ntd Llc (ga)
Classification: Benign. Last evaluated: 2018-08-30. Review status: criteria provided, single submitter. Criteria: EGL ClinVar v180209 classification definitions. Collection method: clinical testing. Allele origin: germline. Observed: 2 variant alleles, 2 heterozygotes.

Illumina Laboratory Services, Illumina
Classification: Likely benign for Long chain 3-hydroxyacyl-CoA dehydrogenase deficiency. Last evaluated: 2018-01-12. Review status: criteria provided, single submitter. Criteria: ICSL Variant Classification Criteria 13 December 2019. Collection method: clinical testing. Allele origin: germline.
Comment: This variant was observed in the ICSL laboratory as part of a predisposition screen in an ostensibly healthy population. It had not been previously curated by ICSL or reported in the Human Gene Mutation Database (HGMD: prior to June 1st, 2018), and was therefore a candidate for classification through an automated scoring system. Utilizing variant allele frequency, disease prevalence and penetrance estimates, and inheritance mode, an automated score was calculated to assess if this variant is too frequent to cause the disease. Based on the score and internal cut-off values, a variant classified as likely benign is not then subjected to further curation. The score for this variant resulted in a classification of likely benign for this disease.

Illumina Laboratory Services, Illumina
Classification: Likely benign for Mitochondrial trifunctional protein deficiency 1. Last evaluated: 2018-01-12. Review status: criteria provided, single submitter. Criteria: ICSL Variant Classification Criteria 13 December 2019. Collection method: clinical testing. Allele origin: germline.
Comment: the same text as in the submission from Illumina Laboratory Services, Illumina above.

Women's Health and Genetics/Laboratory Corporation of America, LabCorp
Classification: Benign. Last evaluated: 2017-04-10. Review status: criteria provided, single submitter. Criteria: LabCorp Variant Classification Summary - May 2015. Collection method: clinical testing. Allele origin: germline.
Comment: Variant summary: The HADHA c.1981C>T (p.Leu661Leu) variant involves the alteration of a non-conserved nucleotide, resulting in a synonymous change. 4/5 splice prediction tools predict no significant impact on normal splicing. This variant was found in 517/121374 control chromosomes (including 4 homozygotes) at a frequency of 0.0042596, which is approximately 2.2 times the estimated maximal expected allele frequency of a pathogenic HADHA variant (0.0019365), suggesting this variant is likely a benign polymorphism. It is more common in European (Non-Finnish) subpopulation with allele frequency of 0.006 (441/66716) including all reported homozygotes. One clinical diagnostic laboratory in ClinVar has classified this variant as benign. The variant of interest has not, to our knowledge, been reported in affected individuals via publications. Taken together, this variant is classified as benign.

Breakthrough Genomics
Classification: Likely benign. Review status: criteria provided, single submitter. Criteria: ACMG Guidelines, 2015. Collection method: not provided. Allele origin: germline. Inheritance: Autosomal recessive inheritance. Affected: yes.

Natera, Inc.
Classification: Likely benign for Deficiency of long-chain 3-hydroxyacyl-coenzyme A dehydrogenase. Last evaluated: 2019-11-11. Review status: no assertion criteria provided. Collection method: clinical testing. Allele origin: germline. Not counted in ClinVar's aggregate classification.

NM_000182.5(HADHA):c.1981C>T (p.Leu661=)

Genes: GAREM2 (GRB2 associated regulator of MAPK1 subtype 2; plus strand), HADHA (hydroxyacyl-CoA dehydrogenase trifunctional multienzyme complex subunit alpha; minus strand). Cytogenetic location: 2p23.3.
Variant type: single nucleotide variant.
Coding change: c.1981C>T on transcript NM_000182.5 (MANE Select); coding-DNA position 1981, C replaced by T.
Protein change: p.Leu661=; no amino-acid change (leucine 661 retained).
Molecular consequence: synonymous variant.
Genome position (GRCh38, 1-based): chr2:26,192,329, G>A on the plus strand (C>T on the coding strand, the complement: HADHA is on the minus strand). VCF-style: chr2-26192329-G-A. GRCh37 (hg19) VCF-style: chr2-26415198-G-A.
Other names: p.Leu661=.
Identifiers: ClinVar variation 92595 (VCV000092595.64), dbSNP rs142348718, ClinGen allele CA145856.